The following is an entry in ClinVar:

ClinVar aggregate classification (germline): Likely pathogenic. Review status: reviewed by expert panel (3 of 4 stars). 2 submissions from 2 submitters: Likely pathogenic (1). 1 of the submissions does not count toward it. Last evaluated 2025-05-20.

Conditions:
RPGR-related retinopathy. Also called: RPGR retinopathy. Identifiers: MedGen CN305589, MONDO:0100437.
Retinitis pigmentosa (RP). Identifiers: Orphanet 791, MedGen C0035334, MeSH D012174, MONDO:0019200, OMIM 268000. Inheritance: Autosomal dominant, autosomal recessive and X linked inheritance.

Submissions (2):

ClinGen X-linked Inherited Retinal Disease Variant Curation Expert Panel, ClinGen
Classification: Likely pathogenic for RPGR-related retinopathy. Last evaluated: 2025-05-20. Review status: reviewed by expert panel. Criteria: ClinGen X LinkedIRD ACMG Specifications RPGR V1.0.0. Collection method: curation. Allele origin: germline. Inheritance: X-linked inheritance.
Comment: NM_001034853.2(RPGR):c.922G>C (p.Ala308Pro) is a missense variant encoding substitution of alanine with proline at amino acid 308. This variant is absent from hemizygous individuals in gnomAD v4.1.0 (PM2_Supporting). The computational predictor REVEL gives a score of 0.904, which is between the ClinGen X-linked IRD VCEP thresholds of 0.773 to 0.931 and predicts a damaging effect on RPGR function (PP3_moderate). The computational splicing predictor SpliceAI gives a delta score of 0.01 for acceptor gain, which is below the ClinGen X-linked IRD VCEP threshold of >0.2 and does not predict that the variant disrupts RPGR splicing. At least one proband harboring this variant exhibits a phenotype including early onset (1 pt) of night blindness (0.5 pts), decreased central visual acuity (0.5 pts), visual field constriction (0.5 pts), family history consistent with X-linked inheritance (2 pts), delayed or milder phenotype in females (1 pt), and next-generation sequencing-based genotyping identifying no alternative causes of retinal disease (2 pts), which together are specific for RPGR-related retinopathy (7.5 pts, PP4, PMID: 25324289). The variant has been reported to segregate with retinal dystrophy through at least 3 affected meioses from 1 family (PP1; PMID: 26316687, PMID: 25324289). The variant has been included in multiple publications (PMIDs: 25324289, 26316687, and 26427425), however these have reported the same family, so PS4_Supporting was not met. In summary, this variant meets the criteria to be classified as likely pathogenic for RPGR-related retinopathy based on the ClinGen X-linked Inherited Retinal Disease Expert Panel Specifications to the ACMG/AMP Variant Interpretation Guidelines for RPGR Version 1.0.0; PM2_supporting, PP1_moderate, PP3_moderate, and PP4_supporting. (date of approval 05/16/2025).

Department of Ophthalmology and Visual Sciences Kyoto University
Classification: Likely pathogenic for Retinitis pigmentosa. Review status: no assertion criteria provided. Collection method: not provided. Allele origin: unknown. Not counted in ClinVar's aggregate classification.
ClinVar note: Converted during submission from probable-pathogenic to Likely pathogenic.

NM_001034853.2(RPGR):c.922G>C (p.Ala308Pro)

Gene: RPGR (retinitis pigmentosa GTPase regulator; minus strand). Cytogenetic location: Xp11.4.
Variant type: single nucleotide variant.
Coding change: c.922G>C on transcript NM_001034853.2 (MANE Select); coding-DNA position 922, G replaced by C.
Protein change: p.Ala308Pro; replaces alanine 308 with proline.
Molecular consequence: missense variant. On other transcripts: non-coding transcript variant (5).
Genome position (GRCh38, 1-based): chrX:38,304,647, C>G on the plus strand (G>C on the coding strand, the complement: RPGR is on the minus strand). VCF-style: chrX-38304647-C-G. GRCh37 (hg19) VCF-style: chrX-38163900-C-G.
Other names: NM_001034853.2(RPGR):c.922G>C; p.Ala308Pro; c.922G>C, p.Ala308Pro (NM_000328.3, NM_001367246.1, NM_001367247.1 and 1 more transcripts); c.919G>C, p.Ala307Pro (NM_001367245.1, NM_001367249.1, NM_001367250.1); c.952G>C, p.Ala318Pro (NM_001367248.1); short protein forms A308P, A307P, A318P.
Identifiers: ClinVar variation 143094 (VCV000143094.2), dbSNP rs527236112, ClinGen allele CA270037.